The following is an entry in ClinVar:

ClinVar aggregate classification (germline): Uncertain significance. Review status: criteria provided, multiple submitters, no conflicts (2 of 4 stars). 2 submissions from 2 submitters: Uncertain significance (2). Last evaluated 2020-08-14.

Conditions:
Emery-Dreifuss muscular dystrophy 4, autosomal dominant (EDMD4). Also called: EMERY-DREIFUSS MUSCULAR DYSTROPHY 4 WITH VARIABLE FEATURES. Identifiers: Orphanet 261, MedGen C2751807, MONDO:0013071, OMIM 612998.
Autosomal recessive ataxia, Beauce type. Also called: SYNE1-Related Autosomal Recessive Cerebellar Ataxia; Spinocerebellar ataxia, autosomal recessive 8; ATAXIA, RECESSIVE, OF BEAUCE; SYNE1 Deficiency. Identifiers: Orphanet 88644, MedGen C1853116, MONDO:0012549, OMIM 610743.

gnomAD v4.1: 8 of 1,614,082 alleles (0.0005%); highest among the groups gnomAD compares: Admixed American, 0.0017%; no homozygotes.

Submissions (2):

Labcorp Genetics (formerly Invitae), Labcorp
Classification: Uncertain significance for Emery-Dreifuss muscular dystrophy 4, autosomal dominant; Autosomal recessive ataxia, Beauce type. Last evaluated: 2020-08-14. Review status: criteria provided, single submitter. Criteria: Invitae Variant Classification Sherloc (09022015). Collection method: clinical testing. Allele origin: germline.
Comment: This sequence change replaces arginine with glycine at codon 2934 of the SYNE1 protein (p.Arg2934Gly). The arginine residue is highly conserved and there is a moderate physicochemical difference between arginine and glycine. This variant is present in population databases (rs372633466, ExAC 0.009%). This variant has not been reported in the literature in individuals with SYNE1-related disease. ClinVar contains an entry for this variant (Variation ID:¬†499007). Algorithms developed to predict the effect of missense changes on protein structure and function are either unavailable or do not agree on the potential impact of this missense change (SIFT: "Deleterious"; PolyPhen-2: "Benign"; Align-GVGD: "Class C25"). In summary, the available evidence is currently insufficient to determine the role of this variant in disease. Therefore, it has been classified as a Variant of Uncertain Significance.

Eurofins Ntd Llc (ga)
Classification: Uncertain significance. Last evaluated: 2016-12-21. Review status: criteria provided, single submitter. Criteria: EGL Classification Definitions 2015. Collection method: clinical testing. Allele origin: germline. Observed: 1 variant allele, 1 heterozygote.

NM_182961.4(SYNE1):c.8779C>G (p.Arg2927Gly)

Genes: SYNE1 (spectrin repeat containing nuclear envelope protein 1; minus strand), SYNE1-AS1 (SYNE1 antisense RNA 1; plus strand). Cytogenetic location: 6q25.2.
Variant type: single nucleotide variant.
Coding change: c.8779C>G on transcript NM_182961.4 (MANE Select); coding-DNA position 8779, C replaced by G.
Protein change: p.Arg2927Gly; replaces arginine 2927 with glycine.
Molecular consequence: missense variant. On other transcripts: non-coding transcript variant (1).
Genome position (GRCh38, 1-based): chr6:152,381,236, G>C on the plus strand (C>G on the coding strand, the complement: SYNE1 is on the minus strand). VCF-style: chr6-152381236-G-C. GRCh37 (hg19) VCF-style: chr6-152702371-G-C.
Other names: c.8800C>G, p.Arg2934Gly (NM_033071.5); short protein forms R2927G, R2934G.
Identifiers: ClinVar variation 499007 (VCV000499007.10), dbSNP rs372633466, ClinGen allele CA4057459.